The following is an entry in ClinVar:

ClinVar aggregate classification (germline): Uncertain significance (1 of 4 stars; one submission).

Conditions:
2-aminoadipic 2-oxoadipic aciduria (AAKAD). Also called: Aminoadipic aciduria; ALPHA-AMINOADIPIC AND ALPHA-KETOADIPIC ACIDURIA. Identifiers: Orphanet 79154, MedGen C1859817, MONDO:0008774, OMIM 204750.

Allele frequency attached by ClinVar (database versions not stated): gnomAD exomes 0.00003.
gnomAD v4.1: 45 of 1,614,008 alleles (0.0028%); highest among the groups gnomAD compares: Non-Finnish European, 0.0037%; no homozygotes.

Submission:

Labcorp Genetics (formerly Invitae), Labcorp
Classification: Uncertain significance for 2-aminoadipic 2-oxoadipic aciduria. Last evaluated: 2023-04-08. Review status: criteria provided, single submitter. Criteria: Invitae Variant Classification Sherloc (09022015). Collection method: clinical testing. Allele origin: germline.
Comment: In summary, the available evidence is currently insufficient to determine the role of this variant in disease. Therefore, it has been classified as a Variant of Uncertain Significance. Advanced modeling of protein sequence and biophysical properties (such as structural, functional, and spatial information, amino acid conservation, physicochemical variation, residue mobility, and thermodynamic stability) performed at Invitae indicates that this missense variant is expected to disrupt DHTKD1 protein function. This variant has not been reported in the literature in individuals affected with DHTKD1-related conditions. This variant is not present in population databases (gnomAD no frequency). This sequence change replaces arginine, which is basic and polar, with glycine, which is neutral and non-polar, at codon 878 of the DHTKD1 protein (p.Arg878Gly).

NM_018706.7(DHTKD1):c.2632A>G (p.Arg878Gly)

Gene: DHTKD1 (dehydrogenase E1 and transketolase domain containing 1; plus strand). Cytogenetic location: 10p14.
Variant type: single nucleotide variant.
Coding change: c.2632A>G on transcript NM_018706.7 (MANE Select); coding-DNA position 2632, A replaced by G.
Protein change: p.Arg878Gly; replaces arginine 878 with glycine.
Molecular consequence: missense variant.
Genome position (GRCh38, 1-based): chr10:12,120,241, A>G. VCF-style: chr10-12120241-A-G. GRCh37 (hg19) VCF-style: chr10-12162240-A-G.
Other names: short protein forms R878G.
Identifiers: ClinVar variation 2990044 (VCV002990044.3), dbSNP rs1833503490, ClinGen allele CA376017104.